The following is an entry in ClinVar:

ClinVar aggregate classification (germline): Conflicting classifications of pathogenicity. Review status: criteria provided, conflicting classifications (1 of 4 stars). 2 submissions from 2 submitters: Uncertain significance (1); Likely benign (1). Last evaluated 2024-08-19.

Conditions:
Dyskeratosis congenita. Identifiers: Orphanet 1775, MedGen C0265965, MONDO:0015780.

Allele frequency attached by ClinVar (database versions not stated): ExAC 0.00002; gnomAD exomes 0.00002; TOPMed 0.00003; gnomAD 0.00004.
gnomAD v4.1: 17 of 1,206,557 alleles (0.0014%); highest among the groups gnomAD compares: African/African-American, 0.0087%; no homozygotes.

Submissions (2):

Labcorp Genetics (formerly Invitae), Labcorp
Classification: Likely benign for Dyskeratosis congenita. Last evaluated: 2024-08-19. Review status: criteria provided, single submitter. Criteria: Invitae Variant Classification Sherloc (09022015). Collection method: clinical testing. Allele origin: germline.

Ambry Genetics
Classification: Uncertain significance for Dyskeratosis congenita. Last evaluated: 2023-03-07. Review status: criteria provided, single submitter. Criteria: Ambry Variant Classification Scheme 2023. Collection method: clinical testing. Allele origin: germline.
Comment: The p.R19W variant (also known as c.55C>T), located in coding exon 2 of the DKC1 gene, results from a C to T substitution at nucleotide position 55. The arginine at codon 19 is replaced by tryptophan, an amino acid with dissimilar properties. This amino acid position is conserved. In addition, the in silico prediction for this alteration is inconclusive. Since supporting evidence is limited at this time, the clinical significance of this alteration remains unclear.

NM_001363.5(DKC1):c.55C>T (p.Arg19Trp)

Gene: DKC1 (dyskerin pseudouridine synthase 1; plus strand). Cytogenetic location: Xq28.
Variant type: single nucleotide variant.
Coding change: c.55C>T on transcript NM_001363.5 (MANE Select); coding-DNA position 55, C replaced by T.
Protein change: p.Arg19Trp; replaces arginine 19 with tryptophan.
Molecular consequence: missense variant. On other transcripts: non-coding transcript variant (3).
Genome position (GRCh38, 1-based): chrX:154,764,937, C>T. VCF-style: chrX-154764937-C-T. GRCh37 (hg19) VCF-style: chrX-153993212-C-T.
Other names: c.55C>T, p.Arg19Trp (NM_001142463.3, NM_001288747.2); c.55C>T (NM_001363.3); short protein forms R19W.
Identifiers: ClinVar variation 1423080 (VCV001423080.7), dbSNP rs782010351, ClinGen allele CA10566956.